The following is an entry in ClinVar:

NM_001080449.3(DNA2):c.619A>G (p.Lys207Glu)

Gene: DNA2 (DNA replication helicase/nuclease 2; minus strand). Cytogenetic location: 10q21.3.
Variant type: single nucleotide variant.
Coding change: c.619A>G on transcript NM_001080449.3 (MANE Select); coding-DNA position 619, A replaced by G.
Protein change: p.Lys207Glu; replaces lysine 207 with glutamic acid.
Molecular consequence: missense variant. On other transcripts: non-coding transcript variant (1).
Genome position (GRCh38, 1-based): chr10:68,459,204, T>C on the plus strand (A>G on the coding strand, the complement: DNA2 is on the minus strand). VCF-style: chr10-68459204-T-C. GRCh37 (hg19) VCF-style: chr10-70218961-T-C.
Other names: short protein forms K207E.
Identifiers: ClinVar variation 423711 (VCV000423711.2), dbSNP rs1064796594, ClinGen allele CA16618970.

ClinVar aggregate classification (germline): Uncertain significance (1 of 4 stars; one submission).

Submission:

GeneDx
Classification: Uncertain significance. Last evaluated: 2017-02-27. Review status: criteria provided, single submitter. Criteria: GeneDx Variant Classification (06012015). Collection method: clinical testing. Allele origin: germline. Affected: yes.
Comment: The K207E variant has not been published as a pathogenic variant, nor has it been reported as a benign variant to our knowledge. The K207E variant is not observed in large population cohorts (Lek et al., 2016; 1000 Genomes Consortium et al., 2015; Exome Variant Server). The K207E variant is a non-conservative amino acid substitution, which is likely to impact secondary protein structure as these residues differ in polarity, charge, size and/or other properties. This substitution occurs at a position that is not conserved. In silico analysis is inconsistent in its predictions as to whether or not the variant is damaging to the protein structure/function. In summary, based on the currently available information, it is unclear whether this variant is a pathogenic variant or a rare benign variant.